The following is an entry in ClinVar:

ClinVar aggregate classification (germline): Uncertain significance (1 of 4 stars; one submission).

Conditions:
Immunodeficiency 104. Also called: Severe combined immunodeficiency, autosomal recessive, T cell-negative, B cell-positive, NK cell-positive; SCID, AUTOSOMAL RECESSIVE, T CELL-NEGATIVE, B CELL-POSITIVE, NK CELL-POSITIVE; Severe Combined Immune Deficiency, Autosomal Recessive, TCell -Negative, B Cell-Positive, NK Cell-Positive, IL7R-Related; IMMUNODEFICIENCY 104, SEVERE COMBINED. Identifiers: MedGen C5676890, MONDO:0012163, OMIM 608971.

Submission:

Labcorp Genetics (formerly Invitae), Labcorp
Classification: Uncertain significance for Immunodeficiency 104. Last evaluated: 2019-03-30. Review status: criteria provided, single submitter. Criteria: Invitae Variant Classification Sherloc (09022015). Collection method: clinical testing. Allele origin: germline.
Comment: In summary, the available evidence is currently insufficient to determine the role of this variant in disease. Therefore, it has been classified as a Variant of Uncertain Significance. Algorithms developed to predict the effect of missense changes on protein structure and function (SIFT, PolyPhen-2, Align-GVGD) all suggest that this variant is likely to be disruptive, but these predictions have not been confirmed by published functional studies and their clinical significance is uncertain. This variant has not been reported in the literature in individuals with PTPRC-related conditions. This variant is not present in population databases (ExAC no frequency). This sequence change replaces valine with phenylalanine at codon 488 of the PTPRC protein (p.Val488Phe). The valine residue is highly conserved and there is a small physicochemical difference between valine and phenylalanine.

NM_002838.5(PTPRC):c.1462G>T (p.Val488Phe)

Gene: PTPRC (protein tyrosine phosphatase receptor type C; plus strand). Cytogenetic location: 1q32.1.
Variant type: single nucleotide variant.
Coding change: c.1462G>T on transcript NM_002838.5 (MANE Select); coding-DNA position 1462, G replaced by T.
Protein change: p.Val488Phe; replaces valine 488 with phenylalanine.
Molecular consequence: missense variant.
Genome position (GRCh38, 1-based): chr1:198,718,105, G>T. VCF-style: chr1-198718105-G-T. GRCh37 (hg19) VCF-style: chr1-198687234-G-T.
Other names: c.979G>T, p.Val327Phe (NM_080921.4); short protein forms V327F, V488F.
Identifiers: ClinVar variation 834963 (VCV000834963.10), dbSNP rs1653684365, ClinGen allele CA344038721.